The following is an entry in ClinVar:

NM_004380.3(CREBBP):c.5348G>T (p.Cys1783Phe)

Gene: CREBBP (CREB binding lysine acetyltransferase; minus strand). Cytogenetic location: 16p13.3.
Variant type: single nucleotide variant.
Coding change: c.5348G>T on transcript NM_004380.3 (MANE Select); coding-DNA position 5348, G replaced by T.
Protein change: p.Cys1783Phe; replaces cysteine 1783 with phenylalanine.
Molecular consequence: missense variant.
Genome position (GRCh38, 1-based): chr16:3,729,699, C>A on the plus strand (G>T on the coding strand, the complement: CREBBP is on the minus strand). VCF-style: chr16-3729699-C-A. GRCh37 (hg19) VCF-style: chr16-3779700-C-A.
Other names: c.5234G>T, p.Cys1745Phe (NM_001079846.1); short protein forms C1745F, C1783F.
Identifiers: ClinVar variation 1526262 (VCV001526262.3), dbSNP rs2151311520, ClinGen allele CA394557083.

ClinVar aggregate classification (germline): Likely pathogenic (1 of 4 stars; one submission).

Conditions:
Tip-toe gait. Also called: Toe walking. Identifiers: MedGen C0427144, HP:0030051.

Submission:

Practice for Gait Abnormalities, David Pomarino, Competency Network Toe Walking C/o Practice Pomarino
Classification: Likely pathogenic for Tip-toe gait. Last evaluated: 2021-11-24. Review status: criteria provided, single submitter. Criteria: ACMG Guidelines, 2015. Collection method: clinical testing. Allele origin: germline. Affected: yes.
Comment: Hereditary motor sensory neuropathy (HMSN), also known as Charcot-Marie-Tooth Disease (CMT), is the most commonly inherited peripheral polyneuropathy. It constitutes a group of inherited, progressive, motor and sensory peripheral nerve disorders with properties of demyelination, axonal degeneration, or both. It is classified by clinical characteristics, modes of inheritance, electrophysiologic features, metabolic defects, and specific gene markers. Our patients all walk on tiptoe, so they show similar symptoms. When we genetically test them with our toe walking panel, we find that around 90 per cent of them have a genetic variant that explains their toe walking. These can be assigned, for example, to the area of myopathies (such as variants of the COL6A3 gene), the area of hereditary neuropathies (such as variants of the KMT2C gene) or the area of metabolic diseases (such as variants of the PYGM gene). In a smaller group of patients with almost identical symptoms, no abnormality is found in the genes of our panel, but spastic paraplegia can be detected. In another small group of our toe walkers, no abnormalities can be detected in the genes analysed in our toe walking panel, nor do they suffer from spastic paraplegia, as is also the case with healthy children. In contrast to these, however, they show a tiptoe gait. These patients suffer from infantile cerebral palsy, in which toe walking can also be observed.

Literature cited by the submitters: PubMed 37091313.